The following is an entry in ClinVar:

ClinVar aggregate classification (germline): Conflicting classifications of pathogenicity. Review status: criteria provided, conflicting classifications (1 of 4 stars). 3 submissions from 3 submitters: Uncertain significance (1); Likely benign (2). Last evaluated 2025-10-27.

Conditions:
Multiple endocrine neoplasia type 4. Also called: MULTIPLE ENDOCRINE NEOPLASIA, TYPE IV. Identifiers: Orphanet 276152, MedGen C1970712, MONDO:0012552, OMIM 610755.
Hereditary cancer-predisposing syndrome. Also called: Neoplastic Syndromes, Hereditary; Hereditary Cancer Syndrome; Hereditary neoplastic syndrome; Tumor predisposition. Identifiers: Orphanet 140162, MedGen C0027672, MeSH D009386, MONDO:0015356.

Allele frequency attached by ClinVar (database versions not stated): gnomAD exomes below 0.00001; ExAC 0.00001.
gnomAD v4.1: 1 of 1,614,202 alleles (0.000062%); no homozygotes.

Submissions (3):

Labcorp Genetics (formerly Invitae), Labcorp
Classification: Likely benign for Multiple endocrine neoplasia type 4. Last evaluated: 2025-10-27. Review status: criteria provided, single submitter. Criteria: Invitae Variant Classification Sherloc (09022015). Collection method: clinical testing. Allele origin: germline.

Quest Diagnostics Nichols Institute San Juan Capistrano
Classification: Uncertain significance. Last evaluated: 2024-07-11. Review status: criteria provided, single submitter. Criteria: Quest Diagnostics criteria. Collection method: clinical testing. Allele origin: unknown.
Comment: The CDKN1B c.525A>G (p.Ser175=) synonymous variant has not been reported in individuals with CDKN1B-related conditions in the published literature. It also has not been reported in large, multi-ethnic general populations (Genome Aggregation Database). Analysis of this variant using software algorithms for the prediction of the effect of nucleotide changes on splicing yielded predictions that this variant does not affect CDKN1B mRNA splicing. Based on the available information, we are unable to determine the clinical significance of this variant.

Ambry Genetics
Classification: Likely benign for Hereditary cancer-predisposing syndrome. Last evaluated: 2022-12-04. Review status: criteria provided, single submitter. Criteria: Ambry Variant Classification Scheme 2023. Collection method: clinical testing. Allele origin: germline.

NM_004064.5(CDKN1B):c.525A>G (p.Ser175=)

Gene: CDKN1B (cyclin dependent kinase inhibitor 1B; plus strand). Cytogenetic location: 12p13.1.
Variant type: single nucleotide variant.
Coding change: c.525A>G on transcript NM_004064.5 (MANE Select); coding-DNA position 525, A replaced by G.
Protein change: p.Ser175=; no amino-acid change (serine 175 retained).
Molecular consequence: synonymous variant.
Genome position (GRCh38, 1-based): chr12:12,718,874, A>G. VCF-style: chr12-12718874-A-G. GRCh37 (hg19) VCF-style: chr12-12871808-A-G.
Other names: c.525A>G (NM_004064.3).
Identifiers: ClinVar variation 1158491 (VCV001158491.12), dbSNP rs755410592, ClinGen allele CA6457560.